The following is an entry in ClinVar:

ClinVar aggregate classification (germline): Likely benign (0 of 4 stars; one submission).

Conditions:
JAK2-related disorder. Also called: JAK2-related condition.

Allele frequency attached by ClinVar (database versions not stated): ExAC 0.00001; gnomAD 0.00002; gnomAD exomes 0.00003.
gnomAD v4.1: 41 of 1,607,728 alleles (0.0026%); highest among the groups gnomAD compares: Admixed American, 0.0034%; no homozygotes.

Submission:

PreventionGenetics, part of Exact Sciences
Classification: Likely benign for JAK2-related condition. Last evaluated: 2023-05-05. Review status: no assertion criteria provided. Collection method: clinical testing. Allele origin: germline.
Comment: This variant is classified as likely benign based on ACMG/AMP sequence variant interpretation guidelines (Richards et al. 2015 PMID: 25741868, with internal and published modifications).

NM_004972.4(JAK2):c.1266G>A (p.Leu422=)

Genes: INSL6 (insulin like 6; minus strand), JAK2 (Janus kinase 2; plus strand). Cytogenetic location: 9p24.1.
Variant type: single nucleotide variant.
Coding change: c.1266G>A on transcript NM_004972.4 (MANE Select); coding-DNA position 1266, G replaced by A.
Protein change: p.Leu422=; no amino-acid change (leucine 422 retained).
Molecular consequence: synonymous variant. On other transcripts: non-coding transcript variant (2).
Genome position (GRCh38, 1-based): chr9:5,066,729, G>A. VCF-style: chr9-5066729-G-A. GRCh37 (hg19) VCF-style: chr9-5066729-G-A.
Other names: c.1266G>A, p.Leu422= (NM_001322194.2, NM_001322195.2, NM_001322196.2); c.51G>A, p.Leu17= (NM_001322198.2, NM_001322199.2); c.819G>A, p.Leu273= (NM_001322204.2).
Identifiers: ClinVar variation 3030854 (VCV003030854.2), dbSNP rs771401095, ClinGen allele CA4971797.